The following is an entry in ClinVar:

ClinVar aggregate classification (germline): Benign/Likely benign. Review status: criteria provided, multiple submitters, no conflicts (2 of 4 stars). 6 submissions from 6 submitters: Benign (1); Likely benign (5). Last evaluated 2026-01-26.

Conditions:
Hereditary cancer-predisposing syndrome. Also called: Hereditary neoplastic syndrome; Neoplastic Syndromes, Hereditary; Tumor predisposition; Hereditary Cancer Syndrome. Identifiers: Orphanet 140162, MedGen C0027672, MeSH D009386, MONDO:0015356.
Familial adenomatous polyposis 1 (FAP1). Also called: POLYPOSIS, ADENOMATOUS INTESTINAL; FAMILIAL ADENOMATOUS POLYPOSIS 1, ATTENUATED. Identifiers: MedGen C2713442, MONDO:0021056, OMIM 175100. Disease mechanism: loss of function.
Classic or attenuated familial adenomatous polyposis. Identifiers: MedGen CN372698, MONDO:0021057.

Allele frequency attached by ClinVar (database versions not stated): gnomAD exomes below 0.00001; TOPMed below 0.00001.
gnomAD v4.1: 2 of 1,613,440 alleles (0.00012%); highest among the groups gnomAD compares: Admixed American, 0.0033%; no homozygotes.

Submissions (6):

Labcorp Genetics (formerly Invitae), Labcorp
Classification: Likely benign for Familial adenomatous polyposis 1. Last evaluated: 2026-01-26. Review status: criteria provided, single submitter. Criteria: Invitae Variant Classification Sherloc (09022015). Collection method: clinical testing. Allele origin: germline.

Myriad Genetics, Inc.
Classification: Benign for Familial adenomatous polyposis 1. Last evaluated: 2024-04-15. Review status: criteria provided, single submitter. Criteria: Myriad Autosomal Dominant, Autosomal Recessive and X-Linked Classification Criteria (2023). Collection method: clinical testing. Allele origin: unknown.
Comment: This variant is considered benign. This variant is a silent/synonymous amino acid change and it is not expected to impact splicing.

All of Us Research Program, National Institutes of Health
Classification: Likely benign for Classic or attenuated familial adenomatous polyposis. Last evaluated: 2023-12-13. Review status: criteria provided, single submitter. Criteria: ACMG Guidelines, 2015. Collection method: clinical testing. Allele origin: germline. Inheritance: Autosomal dominant inheritance. Observed: 2 variant alleles, 2 heterozygotes.
Comment: This study involves interpretation of variants in research participants for the purpose of population health screening. Participant phenotype was not available at the time of variant classification. Additional details can be found in publication PMID: 35346344, PMCID: PMC8962531

Color Diagnostics, LLC DBA Color Health
Classification: Likely benign for Hereditary cancer-predisposing syndrome. Last evaluated: 2017-07-19. Review status: criteria provided, single submitter. Criteria: ACMG Guidelines, 2015. Collection method: clinical testing. Allele origin: germline.

GeneDx
Classification: Likely benign. Last evaluated: 2017-04-06. Review status: criteria provided, single submitter. Criteria: GeneDx Variant Classification (06012015). Collection method: clinical testing. Allele origin: germline. Affected: yes.
Comment: This variant is considered likely benign or benign based on one or more of the following criteria: it is a conservative change, it occurs at a poorly conserved position in the protein, it is predicted to be benign by multiple in silico algorithms, and/or has population frequency not consistent with disease.

Ambry Genetics
Classification: Likely benign for Hereditary cancer-predisposing syndrome. Last evaluated: 2016-09-03. Review status: criteria provided, single submitter. Criteria: Ambry Variant Classification Scheme 2023. Collection method: clinical testing. Allele origin: germline.

NM_000038.6(APC):c.8316A>G (p.Ser2772=)

Gene: APC (APC regulator of Wnt signaling pathway; plus strand). Cytogenetic location: 5q22.2.
Variant type: single nucleotide variant.
Coding change: c.8316A>G on transcript NM_000038.6 (MANE Select); coding-DNA position 8316, A replaced by G.
Protein change: p.Ser2772=; no amino-acid change (serine 2772 retained).
Molecular consequence: synonymous variant.
Genome position (GRCh38, 1-based): chr5:112,843,910, A>G. VCF-style: chr5-112843910-A-G. GRCh37 (hg19) VCF-style: chr5-112179607-A-G.
Other names: c.8193A>G, p.Ser2731= (NM_001354900.2); c.8139A>G, p.Ser2713= (NM_001354901.2); c.8043A>G, p.Ser2681= (NM_001354902.2); c.8370A>G, p.Ser2790= (NM_001354896.2); c.8346A>G, p.Ser2782= (NM_001354897.2); c.8241A>G, p.Ser2747= (NM_001354898.2); c.8232A>G, p.Ser2744= (NM_001354899.2); c.8013A>G, p.Ser2671= (NM_001354903.2); and 5 more.
Identifiers: ClinVar variation 470137 (VCV000470137.20), dbSNP rs1554089062, ClinGen allele CA446211466.